The following is an entry in ClinVar:

ClinVar aggregate classification (germline): Uncertain significance. Review status: criteria provided, multiple submitters, no conflicts (2 of 4 stars). 3 submissions from 3 submitters: Uncertain significance (3). Last evaluated 2026-01-18.

Conditions:
Cardiovascular phenotype. Identifiers: MedGen CN230736.
Progressive familial heart block type IB (PFHB1B). Identifiers: Orphanet 871, MedGen C1970298, MONDO:0011474, OMIM 604559.

Allele frequency attached by ClinVar (database versions not stated): gnomAD 0.00001.

Submissions (3):

Labcorp Genetics (formerly Invitae), Labcorp
Classification: Uncertain significance for Progressive familial heart block type IB. Last evaluated: 2026-01-18. Review status: criteria provided, single submitter. Criteria: Invitae Variant Classification Sherloc (09022015). Collection method: clinical testing. Allele origin: germline.
Comment: This sequence change replaces valine, which is neutral and non-polar, with leucine, which is neutral and non-polar, at codon 939 of the TRPM4 protein (p.Val939Leu). This variant is present in population databases (rs749058255, gnomAD 0.003%). This variant has not been reported in the literature in individuals affected with TRPM4-related conditions. ClinVar contains an entry for this variant (Variation ID: 1202751). An algorithm developed to predict the effect of missense changes on protein structure and function (PolyPhen-2) suggests that this variant is likely to be disruptive. In summary, the available evidence is currently insufficient to determine the role of this variant in disease. Therefore, it has been classified as a Variant of Uncertain Significance.

Ambry Genetics
Classification: Uncertain significance for Cardiovascular phenotype. Last evaluated: 2024-10-15. Review status: criteria provided, single submitter. Criteria: Ambry Variant Classification Scheme 2023. Collection method: clinical testing. Allele origin: germline.
Comment: The p.V939L variant (also known as c.2815G>T), located in coding exon 19 of the TRPM4 gene, results from a G to T substitution at nucleotide position 2815. The valine at codon 939 is replaced by leucine, an amino acid with highly similar properties. This amino acid position is conserved. In addition, this alteration is predicted to be deleterious by in silico analysis. Since supporting evidence is limited at this time, the clinical significance of this alteration remains unclear.

GeneDx
Classification: Uncertain significance. Last evaluated: 2021-06-28. Review status: criteria provided, single submitter. Criteria: GeneDx Variant Classification Process June 2021. Collection method: clinical testing. Allele origin: germline. Affected: yes.
Comment: Has not been previously published as pathogenic or benign to our knowledge; Not observed at a significant frequency in large population cohorts (Lek et al., 2016); In silico analysis, which includes protein predictors and evolutionary conservation, supports that this variant does not alter protein structure/function; This variant is associated with the following publications: (PMID: 27535533)

NM_017636.4(TRPM4):c.2815G>T (p.Val939Leu)

Gene: TRPM4 (transient receptor potential cation channel subfamily M member 4; plus strand). Cytogenetic location: 19q13.33.
Variant type: single nucleotide variant.
Coding change: c.2815G>T on transcript NM_017636.4 (MANE Select); coding-DNA position 2815, G replaced by T.
Protein change: p.Val939Leu; replaces valine 939 with leucine.
Molecular consequence: missense variant.
Genome position (GRCh38, 1-based): chr19:49,200,647, G>T. VCF-style: chr19-49200647-G-T. GRCh37 (hg19) VCF-style: chr19-49703904-G-T.
Other names: c.2380G>T, p.Val794Leu (NM_001195227.2); c.2470G>T, p.Val824Leu (NM_001321281.2); c.1207G>T, p.Val403Leu (NM_001321282.2); c.2293G>T, p.Val765Leu (NM_001321283.2); c.1753G>T, p.Val585Leu (NM_001321285.2); short protein forms V403L, V585L, V765L, V794L, V824L, V939L.
Identifiers: ClinVar variation 1202751 (VCV001202751.9), dbSNP rs749058255, ClinGen allele CA9569686.
Genomic context (GRCh38, chr19:49,200,647, plus strand): 5'-AGACTCAGCCACATCTCCCCACAGATGAAGGACGTGTTCTTCTTCCTCTTCTTCCTCGGC[G>T]TGTGGCTGGTAGCCTATGGCGTGGCCACGGAGGGGCTCCTGAGGCCACGGGACAGTGACT-3'
Protein context (NP_060106.2, residues 929-949): DVFFFLFFLG[Val939Leu]WLVAYGVATE